The following is an entry in ClinVar:

ClinVar aggregate classification (germline): Uncertain significance (1 of 4 stars; one submission).

gnomAD v4.1: 2 of 1,554,182 alleles (0.00013%); highest among the groups gnomAD compares: Non-Finnish European, 0.00017%; no homozygotes.

Submission:

GeneDx
Classification: Uncertain significance. Last evaluated: 2024-02-29. Review status: criteria provided, single submitter. Criteria: GeneDx Variant Classification Process June 2021. Collection method: clinical testing. Allele origin: germline. Affected: yes.
Comment: Not observed at significant frequency in large population cohorts (gnomAD); In silico analysis supports that this missense variant has a deleterious effect on protein structure/function; Has not been previously published as pathogenic or benign to our knowledge

NM_016148.5(SHANK1):c.6008T>G (p.Leu2003Arg)

Gene: SHANK1 (SH3 and multiple ankyrin repeat domains 1; minus strand). Cytogenetic location: 19q13.33.
Variant type: single nucleotide variant.
Coding change: c.6008T>G on transcript NM_016148.5 (MANE Select); coding-DNA position 6008, T replaced by G.
Protein change: p.Leu2003Arg; replaces leucine 2003 with arginine.
Molecular consequence: missense variant.
Genome position (GRCh38, 1-based): chr19:50,662,443, A>C on the plus strand (T>G on the coding strand, the complement: SHANK1 is on the minus strand). VCF-style: chr19-50662443-A-C. GRCh37 (hg19) VCF-style: chr19-51165700-A-C.
Other names: short protein forms L2003R.
Identifiers: ClinVar variation 3373511 (VCV003373511.1).